The following is an entry in ClinVar:

ClinVar aggregate classification (germline): Likely pathogenic (1 of 4 stars; one submission).

Conditions:
Fanconi anemia (FA). Also called: Fanconi's anemia. Identifiers: Orphanet 84, MedGen C0015625, MeSH D005199, MONDO:0019391.

Allele frequency attached by ClinVar (database versions not stated): gnomAD exomes below 0.00001; gnomAD 0.00001.
gnomAD v4.1: 2 of 1,600,024 alleles (0.00012%); highest among the groups gnomAD compares: South Asian, 0.0022%; no homozygotes.

Submission:

Labcorp Genetics (formerly Invitae), Labcorp
Classification: Likely pathogenic for Fanconi anemia. Last evaluated: 2021-09-30. Review status: criteria provided, single submitter. Criteria: Invitae Variant Classification Sherloc (09022015). Collection method: clinical testing. Allele origin: germline.
Comment: This sequence change affects an acceptor splice site in intron 26 of the FANCA gene. It is expected to disrupt RNA splicing. Variants that disrupt the donor or acceptor splice site typically lead to a loss of protein function (PMID: 16199547), and loss-of-function variants in FANCA are known to be pathogenic (PMID: 19367192). This variant is not present in population databases (ExAC no frequency). In summary, the currently available evidence indicates that the variant is pathogenic, but additional data are needed to prove that conclusively. Therefore, this variant has been classified as Likely Pathogenic. Algorithms developed to predict the effect of sequence changes on RNA splicing suggest that this variant may disrupt the consensus splice site. Disruption of this splice site has been observed in individual(s) with clinical features of FANCA-related conditions (PMID: 32098966).

Literature cited by the submitters: PubMed 16199547; PubMed 19367192; PubMed 32098966.

NM_000135.4(FANCA):c.2505-1G>C

Gene: FANCA (FA complementation group A; minus strand). Cytogenetic location: 16q24.3.
Variant type: single nucleotide variant.
Coding change: c.2505-1G>C on transcript NM_000135.4 (MANE Select); the canonical splice acceptor site of the intron before coding-DNA position 2505, G replaced by C.
Molecular consequence: splice acceptor variant.
Genome position (GRCh38, 1-based): chr16:89,767,238, C>G on the plus strand (G>C on the coding strand, the complement: FANCA is on the minus strand). VCF-style: chr16-89767238-C-G. GRCh37 (hg19) VCF-style: chr16-89833646-C-G.
Other names: c.2505-1G>C (NM_001286167.3).
Identifiers: ClinVar variation 1504474 (VCV001504474.6), dbSNP rs1438990537, ClinGen allele CA397440969.